The following is an entry in ClinVar:

ClinVar aggregate classification (germline): Benign. Review status: criteria provided, multiple submitters, no conflicts (2 of 4 stars). 6 submissions from 4 submitters: Benign (6). Last evaluated 2021-11-07.

Conditions:
Cardiac arrhythmia. Also called: Arrhythmia; Cardiac rhythm disease. Identifiers: MedGen C0003811, MONDO:0007263, HP:0011675.
Catecholaminergic polymorphic ventricular tachycardia 1. Also called: RYR2-Related Catecholaminergic Polymorphic Ventricular Tachycardia; VENTRICULAR TACHYCARDIA, STRESS-INDUCED POLYMORPHIC 1; VENTRICULAR TACHYCARDIA, CATECHOLAMINERGIC POLYMORPHIC, 1, WITH OR WITHOUT ATRIAL DYSFUNCTION AND/OR DILATED CARDIOMYOPATHY. Identifiers: Orphanet 3286, MedGen C1631597, MONDO:0011484, OMIM 604772.
Arrhythmogenic right ventricular dysplasia 2. Identifiers: MedGen C1832931.

Allele frequency attached by ClinVar (database versions not stated): gnomAD exomes 0.26728 and 0.28795; ExAC 0.27880; 1000 Genomes Project 0.29792; 1000 Genomes Project 30x 0.30778; gnomAD 0.33970 and 0.34821; TOPMed 0.34546; ESP Exome Variant Server 0.35603.
gnomAD v4.1: 425,045 of 1,449,050 alleles (29%); highest among the groups gnomAD compares: African/African-American, 52%; 66,027 homozygotes.

Submissions (6):

Genome-Nilou Lab
Classification: Benign for Catecholaminergic polymorphic ventricular tachycardia 1. Last evaluated: 2021-11-07. Review status: criteria provided, single submitter. Criteria: ACMG Guidelines, 2015. Collection method: clinical testing. Allele origin: germline. Affected: no.

Genome-Nilou Lab
Classification: Benign for Ventricular arrhythmias due to cardiac ryanodine receptor calcium release deficiency syndrome. Last evaluated: 2021-11-07. Review status: criteria provided, single submitter. Criteria: ACMG Guidelines, 2015. Collection method: clinical testing. Allele origin: germline. Affected: no.

Genome-Nilou Lab
Classification: Benign for Catecholaminergic polymorphic ventricular tachycardia 1. Last evaluated: 2021-11-07. Review status: criteria provided, single submitter. Criteria: ACMG Guidelines, 2015. Collection method: clinical testing. Allele origin: germline. Affected: no.

GeneDx
Classification: Benign. Last evaluated: 2018-06-18. Review status: criteria provided, single submitter. Criteria: GeneDx Variant Classification (06012015). Collection method: clinical testing. Allele origin: germline. Affected: yes.
Comment: This variant is considered likely benign or benign based on one or more of the following criteria: it is a conservative change, it occurs at a poorly conserved position in the protein, it is predicted to be benign by multiple in silico algorithms, and/or has population frequency not consistent with disease.

Breakthrough Genomics
Classification: Benign. Review status: criteria provided, single submitter. Criteria: ACMG Guidelines, 2015. Collection method: not provided. Allele origin: germline. Inheritance: Autosomal dominant inheritance. Affected: yes.

PreventionGenetics, part of Exact Sciences
Classification: Benign. Review status: criteria provided, single submitter. Criteria: ACMG Guidelines, 2015. Collection method: clinical testing. Allele origin: germline.

NM_001035.3(RYR2):c.13476+47G>A

Gene: RYR2 (ryanodine receptor 2; plus strand). Cytogenetic location: 1q43.
Variant type: single nucleotide variant.
Coding change: c.13476+47G>A on transcript NM_001035.3 (MANE Select); 47 bases into the intron after coding-DNA position 13476, G replaced by A.
Molecular consequence: intron variant.
Genome position (GRCh38, 1-based): chr1:237,788,182, G>A. VCF-style: chr1-237788182-G-A. GRCh37 (hg19) VCF-style: chr1-237951482-G-A.
Other names: c.13476+47G>A (LRG_402t1).
Identifiers: ClinVar variation 257200 (VCV000257200.7), dbSNP rs16835818, ClinGen allele CA085389.